The following is an entry in ClinVar:

NM_145290.4(ADGRA3):c.1235C>T (p.Ser412Phe)

Gene: ADGRA3 (adhesion G protein-coupled receptor A3; minus strand). Cytogenetic location: 4p15.2.
Variant type: single nucleotide variant.
Coding change: c.1235C>T on transcript NM_145290.4 (MANE Select); coding-DNA position 1235, C replaced by T.
Protein change: p.Ser412Phe; replaces serine 412 with phenylalanine.
Molecular consequence: missense variant.
Genome position (GRCh38, 1-based): chr4:22,436,492, G>A on the plus strand (C>T on the coding strand, the complement: ADGRA3 is on the minus strand). VCF-style: chr4-22436492-G-A. GRCh37 (hg19) VCF-style: chr4-22438115-G-A.
Other names: c.1235C>T (NM_145290.2); short protein forms S412F.
Identifiers: ClinVar variation 1916464 (VCV001916464.6), dbSNP rs1381776989, ClinGen allele CA356482137.
Genomic context (GRCh38, chr4:22,436,492, plus strand): 5'-CTAGTTACCTGATTAAACATATAAAGAACTCTAGTGACATCATTTGCATACTGACAGCGA[G>A]AATAATCATCATCTGCCCAAAAGCCACCTCTATCACATCTGCGCCAAGCTTTTCTCTCAT-3'
Protein context (NP_660333.2, residues 402-422): RGGFWADDDY[Ser412Phe]RCQYANDVTR

ClinVar aggregate classification (germline): Uncertain significance. Review status: criteria provided, multiple submitters, no conflicts (2 of 4 stars). 2 submissions from 2 submitters: Uncertain significance (2). Last evaluated 2024-07-02.

Allele frequency attached by ClinVar (database versions not stated): TOPMed 0.00001.
gnomAD v4.1: 15 of 1,612,670 alleles (0.00093%); highest among the groups gnomAD compares: Admixed American, 0.0017%; no homozygotes.

Submissions (2):

Ambry Genetics
Classification: Uncertain significance. Last evaluated: 2024-07-02. Review status: criteria provided, single submitter. Criteria: Ambry Variant Classification Scheme 2023. Collection method: clinical testing. Allele origin: germline.

Labcorp Genetics (formerly Invitae), Labcorp
Classification: Uncertain significance. Last evaluated: 2022-10-05. Review status: criteria provided, single submitter. Criteria: Invitae Variant Classification Sherloc (09022015). Collection method: clinical testing. Allele origin: germline.
Comment: The frequency data for this variant in the population databases is considered unreliable, as metrics indicate poor data quality at this position in the gnomAD database. This sequence change replaces serine, which is neutral and polar, with phenylalanine, which is neutral and non-polar, at codon 412 of the ADGRA3 protein (p.Ser412Phe). This variant has not been reported in the literature in individuals affected with ADGRA3-related conditions. In summary, the available evidence is currently insufficient to determine the role of this variant in disease. Therefore, it has been classified as a Variant of Uncertain Significance. Algorithms developed to predict the effect of missense changes on protein structure and function are either unavailable or do not agree on the potential impact of this missense change (SIFT: "Deleterious"; PolyPhen-2: "Benign"; Align-GVGD: "Class C0").